The following is an entry in ClinVar:

ClinVar aggregate classification (germline): Uncertain significance. Review status: criteria provided, multiple submitters, no conflicts (2 of 4 stars). 2 submissions from 2 submitters: Uncertain significance (2). Last evaluated 2025-12-31.

Conditions:
Hereditary cancer-predisposing syndrome. Also called: Tumor predisposition; Hereditary Cancer Syndrome; Hereditary neoplastic syndrome; Neoplastic Syndromes, Hereditary. Identifiers: Orphanet 140162, MedGen C0027672, MeSH D009386, MONDO:0015356.
Hereditary diffuse gastric adenocarcinoma (HDGC). Also called: DIFFUSE GASTRIC AND LOBULAR BREAST CANCER SYNDROME. Identifiers: Orphanet 26106, MedGen C1708349, MONDO:0007648, OMIM 137215.

Submissions (2):

Ambry Genetics
Classification: Uncertain significance for Hereditary cancer-predisposing syndrome. Last evaluated: 2025-12-31. Review status: criteria provided, single submitter. Criteria: Ambry Variant Classification Scheme 2023. Collection method: clinical testing. Allele origin: germline.
Comment: The p.D433V variant (also known as c.1298A>T), located in coding exon 9 of the CDH1 gene, results from an A to T substitution at nucleotide position 1298. The aspartic acid at codon 433 is replaced by valine, an amino acid with highly dissimilar properties. This amino acid position is not well conserved in available vertebrate species. In addition, this alteration is predicted to be tolerated by in silico analysis. Based on the available evidence, the clinical significance of this variant remains unclear.

Labcorp Genetics (formerly Invitae), Labcorp
Classification: Uncertain significance for Hereditary diffuse gastric adenocarcinoma. Last evaluated: 2023-08-28. Review status: criteria provided, single submitter. Criteria: Invitae Variant Classification Sherloc (09022015). Collection method: clinical testing. Allele origin: germline.
Comment: This variant has not been reported in the literature in individuals affected with CDH1-related conditions. This variant is not present in population databases (gnomAD no frequency). This sequence change replaces aspartic acid, which is acidic and polar, with valine, which is neutral and non-polar, at codon 433 of the CDH1 protein (p.Asp433Val). An algorithm developed to predict the effect of missense changes on protein structure and function (PolyPhen-2) suggests that this variant is likely to be disruptive. In summary, the available evidence is currently insufficient to determine the role of this variant in disease. Therefore, it has been classified as a Variant of Uncertain Significance.

NM_004360.5(CDH1):c.1298A>T (p.Asp433Val)

Gene: CDH1 (cadherin 1; plus strand). Cytogenetic location: 16q22.1.
Variant type: single nucleotide variant.
Coding change: c.1298A>T on transcript NM_004360.5 (MANE Select); coding-DNA position 1298, A replaced by T.
Protein change: p.Asp433Val; replaces aspartic acid 433 with valine.
Molecular consequence: missense variant. On other transcripts: 5 prime UTR variant (2), intron variant (1).
Genome position (GRCh38, 1-based): chr16:68,813,473, A>T. VCF-style: chr16-68813473-A-T. GRCh37 (hg19) VCF-style: chr16-68847376-A-T.
Other names: c.-318A>T (NM_001317185.2); c.-522A>T (NM_001317186.2); c.1137+1210A>T (NM_001317184.2); short protein forms D433V.
Identifiers: ClinVar variation 2755697 (VCV002755697.4), dbSNP rs376097289, ClinGen allele CA396461853.